The following is an entry in ClinVar:

ClinVar aggregate classification (germline): Pathogenic (1 of 4 stars; one submission).

Conditions:
Aortic valve disease 2 (AOVD2). Identifiers: MedGen C3542024, MONDO:0013902, OMIM 614823.

Submission:

Labcorp Genetics (formerly Invitae), Labcorp
Classification: Pathogenic for Aortic valve disease 2. Last evaluated: 2025-03-31. Review status: criteria provided, single submitter. Criteria: Invitae Variant Classification Sherloc (09022015). Collection method: clinical testing. Allele origin: germline.
Comment: This sequence change creates a premature translational stop signal (p.Lys88Glyfs*3) in the TBX5 gene. It is expected to result in an absent or disrupted protein product. Loss-of-function variants in TBX5 are known to be pathogenic (PMID: 16183809, 16917909). This variant is not present in population databases (gnomAD no frequency). This variant has not been reported in the literature in individuals affected with TBX5-related conditions. For these reasons, this variant has been classified as Pathogenic.

Literature cited by the submitters: PubMed 16183809; PubMed 16917909.

NM_181486.4(TBX5):c.262_275del (p.Lys88fs)

Gene: TBX5 (T-box transcription factor 5; minus strand). Cytogenetic location: 12q24.21.
Variant type: Deletion.
Coding change: c.262_275del on transcript NM_181486.4 (MANE Select); coding-DNA positions 262 to 275, 14 bases deleted (AAAGTGAAGGTGAC).
Protein change: p.Lys88fs; shifts the reading frame from lysine 88.
Molecular consequence: frameshift variant.
Genome position (GRCh38, 1-based): chr12:114,399,600-114,399,613, GTCACCTTCACTTT deleted on the plus strand (AAAGTGAAGGTGAC on the coding strand, the reverse complement: TBX5 is on the minus strand); deleting any 14 consecutive bases within chr12:114,399,600-114,399,615 gives the same sequence; the c. name uses the placement nearest the transcript's 3' end. VCF-style (leftmost placement, unchanged base first): chr12-114399599-CGTCACCTTCACTTT-C. GRCh37 (hg19) VCF-style: chr12-114837404-CGTCACCTTCACTTT-C.
Other names: c.262_275del, p.Lys88fs (NM_000192.3); c.112_125del, p.Lys38fs (NM_080717.4); short protein forms K38fs, K88fs.
Identifiers: ClinVar variation 4716000 (VCV004716000.1).